The following is an entry in ClinVar:

NM_001114753.3(ENG):c.740del (p.Leu247fs)

Gene: ENG (endoglin; minus strand). Cytogenetic location: 9q34.11.
Variant type: Deletion.
Coding change: c.740del on transcript NM_001114753.3 (MANE Select); coding-DNA position 740, one base deleted (T; older notation c.740delT).
Protein change: p.Leu247fs; shifts the reading frame from leucine 247.
Molecular consequence: frameshift variant.
Genome position (GRCh38, 1-based): chr9:127,825,307, A deleted on the plus strand (T on the coding strand, the reverse complement: ENG is on the minus strand). VCF-style (leftmost placement, unchanged base first): chr9-127825306-GA-G. GRCh37 (hg19) VCF-style: chr9-130587585-GA-G.
Other names: c.740delT, p.Leu247Profs (NM_000118.4, NM_001406715.1); c.194del, p.Leu65fs (NM_001278138.2); short protein forms L65fs, L247fs.
Identifiers: ClinVar variation 1758781 (VCV001758781.2), dbSNP rs2539074209, ClinGen allele CA2580079669.

ClinVar aggregate classification (germline): Pathogenic (1 of 4 stars; one submission).

Conditions:
Cardiovascular phenotype. Identifiers: MedGen CN230736.

Submission:

Ambry Genetics
Classification: Pathogenic for Cardiovascular phenotype. Last evaluated: 2018-09-06. Review status: criteria provided, single submitter. Criteria: Ambry Variant Classification Scheme 2023. Collection method: clinical testing. Allele origin: germline.
Comment: The c.740delT pathogenic mutation, located in coding exon 6 of the ENG gene, results from a deletion of one nucleotide at nucleotide position 740, causing a translational frameshift with a predicted alternate stop codon (p.L247Pfs*112). This mutation was identified in 4 individuals from one hereditary hemorrhagic telangiectasia family (Bossler AD et al. Hum. Mutat., 2006 Jul;27:667-75). In addition to the clinical data presented in the literature, this alteration is expected to result in loss of function by premature protein truncation or nonsense-mediated mRNA decay. As such, this alteration is interpreted as a disease-causing mutation.

Literature cited by the submitters: PubMed 16752392.